The following is an entry in ClinVar:

NM_001371928.1(AHDC1):c.4013G>A (p.Arg1338Gln)

Gene: AHDC1 (AT-hook DNA binding motif containing 1; minus strand). Cytogenetic location: 1p36.11.
Variant type: single nucleotide variant.
Coding change: c.4013G>A on transcript NM_001371928.1 (MANE Select); coding-DNA position 4013, G replaced by A.
Protein change: p.Arg1338Gln; replaces arginine 1338 with glutamine.
Molecular consequence: missense variant.
Genome position (GRCh38, 1-based): chr1:27,548,103, C>T on the plus strand (G>A on the coding strand, the complement: AHDC1 is on the minus strand). VCF-style: chr1-27548103-C-T. GRCh37 (hg19) VCF-style: chr1-27874614-C-T.
Other names: c.4013G>A, p.Arg1338Gln (NM_001029882.3); short protein forms R1338Q.
Identifiers: ClinVar variation 4780911 (VCV004780911.1).
Genomic context (GRCh38, chr1:27,548,103, plus strand): 5'-GTGCCATCGGAAGGCGTGGACGGGTTCATGGAGTAGGGTCCTATGAAGTCACAGGGGTCT[C>T]GCTCTCCCACGCCGAAGGCCCTCGACTGTGAGGGCAGTGGTGACATGCTGCTGTCCCCGC-3'
Protein context (NP_001358857.1, residues 1328-1348): SQSRAFGVGE[Arg1338Gln]DPCDFIGPYS

ClinVar aggregate classification (germline): Uncertain significance (1 of 4 stars; one submission).

Submission:

Labcorp Genetics (formerly Invitae), Labcorp
Classification: Uncertain significance. Last evaluated: 2025-07-02. Review status: criteria provided, single submitter. Criteria: Invitae Variant Classification Sherloc (09022015). Collection method: clinical testing. Allele origin: germline.
Comment: This sequence change replaces arginine, which is basic and polar, with glutamine, which is neutral and polar, at codon 1338 of the AHDC1 protein (p.Arg1338Gln). This variant is present in population databases (no rsID available, gnomAD 0.006%). This variant has not been reported in the literature in individuals affected with AHDC1-related conditions. An algorithm developed to predict the effect of missense changes on protein structure and function (PolyPhen-2) suggests that this variant is likely to be tolerated. In summary, the available evidence is currently insufficient to determine the role of this variant in disease. Therefore, it has been classified as a Variant of Uncertain Significance.